The following is an entry in ClinVar:

ClinVar aggregate classification (germline): Benign/Likely benign. Review status: criteria provided, multiple submitters, no conflicts (2 of 4 stars). 11 submissions from 11 submitters: Benign (6); Likely benign (3). 2 of the submissions do not count toward it. Last evaluated 2026-02-04.

Conditions:
Familial dysautonomia. Also called: HSAN III; FD. Identifiers: Orphanet 1764, MedGen C0013364, MONDO:0009131, OMIM 223900. Disease mechanism: loss of function.

Allele frequency attached by ClinVar (database versions not stated): ESP Exome Variant Server 0.01207; TOPMed 0.01347; 1000 Genomes Project 30x 0.01405; 1000 Genomes Project 0.01478; gnomAD 0.01592.
gnomAD v4.1: 28,686 of 1,613,514 alleles (1.8%); highest among the groups gnomAD compares: East Asian, 5.2%; 365 homozygotes.

Submissions (11):

Labcorp Genetics (formerly Invitae), Labcorp
Classification: Benign. Last evaluated: 2026-02-04. Review status: criteria provided, single submitter. Criteria: Invitae Variant Classification Sherloc (09022015). Collection method: clinical testing. Allele origin: germline.

Mayo Clinic Laboratories, Mayo Clinic
Classification: Likely benign. Last evaluated: 2025-09-03. Review status: criteria provided, single submitter. Criteria: ACMG Guidelines, 2015. Collection method: clinical testing. Allele origin: germline. Observed: 68 variant alleles.
Comment: BS1, BP4

ARUP Laboratories, Molecular Genetics and Genomics, ARUP Laboratories
Classification: Benign. Last evaluated: 2025-07-09. Review status: criteria provided, single submitter. Criteria: ARUP Molecular Germline Variant Investigation Process 2024. Collection method: clinical testing. Allele origin: germline.

Women's Health and Genetics/Laboratory Corporation of America, LabCorp
Classification: Benign. Last evaluated: 2019-02-22. Review status: criteria provided, single submitter. Criteria: LabCorp Variant Classification Summary - May 2015. Collection method: clinical testing. Allele origin: germline.
Comment: Variant summary: IKBKAP c.2855A>T (p.Lys952Ile) results in a non-conservative amino acid change in the encoded protein sequence. Four of five in-silico tools predict a damaging effect of the variant on protein function. The variant allele was found at a frequency of 0.016 in 276918 control chromosomes in the gnomAD database, including 53 homozygotes. The observed variant frequency is approximately 8.5 fold of the estimated maximal expected allele frequency for a pathogenic variant in IKBKAP causing Familial Dysautonomia phenotype (0.0018), strongly suggesting that the variant is benign. To our knowledge, no occurrence of c.2855A>T in individuals affected with Familial Dysautonomia and no experimental evidence demonstrating its impact on protein function have been reported. One clinical diagnostic laboratory has submitted clinical-significance assessments for this variant to ClinVar after 2014 without evidence for independent evaluation, and classified the variant as benign. Based on the evidence outlined above, the variant was classified as benign.

Illumina Laboratory Services, Illumina
Classification: Likely benign for Familial dysautonomia. Last evaluated: 2017-04-27. Review status: criteria provided, single submitter. Criteria: ICSL Variant Classification Criteria 13 December 2019. Collection method: clinical testing. Allele origin: germline.
Comment: This variant was observed as part of a predisposition screen in an ostensibly healthy population. A literature search was performed for the gene, cDNA change, and amino acid change (where applicable). Publications were found based on this search. The evidence from the literature, in combination with allele frequency data from public databases where available, was sufficient to determine this variant is unlikely to cause disease. Therefore, this variant is classified as likely benign.

GeneDx
Classification: Benign. Last evaluated: 2015-03-03. Review status: criteria provided, single submitter. Criteria: GeneDx Variant Classification Process June 2021. Collection method: clinical testing. Allele origin: germline. Affected: yes.

Genome Diagnostics Laboratory, University Medical Center Utrecht
Classification: Benign for Familial dysautonomia. Last evaluated: 2014-10-09. Review status: criteria provided, single submitter. Criteria: ACGS Guidelines, 2013. Collection method: clinical testing. Allele origin: germline. Affected: yes. Study: VKGL Data-share Consensus.

Breakthrough Genomics
Classification: Likely benign. Review status: criteria provided, single submitter. Criteria: ACMG Guidelines, 2015. Collection method: not provided. Allele origin: germline. Inheritance: Autosomal recessive inheritance. Affected: yes.

PreventionGenetics, part of Exact Sciences
Classification: Benign. Review status: criteria provided, single submitter. Criteria: ACMG Guidelines, 2015. Collection method: clinical testing. Allele origin: germline.

Natera, Inc.
Classification: Likely benign for Familial dysautonomia. Last evaluated: 2018-03-30. Review status: no assertion criteria provided. Collection method: clinical testing. Allele origin: germline. Not counted in ClinVar's aggregate classification.

Clinical Genetics, Academic Medical Center
Classification: Benign. Review status: no assertion criteria provided. Collection method: clinical testing. Allele origin: germline. Affected: yes. Study: VKGL Data-share Consensus. Not counted in ClinVar's aggregate classification.

Literature cited by the submitters: PubMed 27104957 (cited by Illumina Laboratory Services, Illumina).

NM_003640.5(ELP1):c.2855A>T (p.Lys952Ile)

Gene: ELP1 (elongator acetyltransferase complex subunit 1; minus strand). Cytogenetic location: 9q31.3.
Variant type: single nucleotide variant.
Coding change: c.2855A>T on transcript NM_003640.5 (MANE Select); coding-DNA position 2855, A replaced by T.
Protein change: p.Lys952Ile; replaces lysine 952 with isoleucine.
Molecular consequence: missense variant.
Genome position (GRCh38, 1-based): chr9:108,893,948, T>A on the plus strand (A>T on the coding strand, the complement: ELP1 is on the minus strand). VCF-style: chr9-108893948-T-A. GRCh37 (hg19) VCF-style: chr9-111656228-T-A.
Other names: c.2513A>T, p.Lys838Ile (NM_001318360.2); c.1808A>T, p.Lys603Ile (NM_001330749.2); c.2855A>T (LRG_251t1); short protein forms K952I, K838I, K603I.
Identifiers: ClinVar variation 259109 (VCV000259109.39), dbSNP rs2230798, ClinGen allele CA5174521.